The following is an entry in ClinVar:

ClinVar aggregate classification (germline): Pathogenic/Likely pathogenic. Review status: criteria provided, multiple submitters, no conflicts (2 of 4 stars). 9 submissions from 9 submitters: Pathogenic (6); Likely pathogenic (2). 1 of the submissions does not count toward it. Last evaluated 2026-03-01.

Conditions:
Succinate-semialdehyde dehydrogenase deficiency (SSADHD). Also called: SSADH DEFICIENCY; Succinic Semialdehyde Dehydrogenase Deficiency; GABA METABOLIC DEFECT; 4-HYDROXYBUTYRIC ACIDURIA. Identifiers: Orphanet 22, MedGen C0268631, MONDO:0010083, OMIM 271980.

Submissions (9):

CeGaT Center for Human Genetics Tuebingen
Classification: Pathogenic. Last evaluated: 2026-03-01. Review status: criteria provided, single submitter. Criteria: CeGaT Center For Human Genetics Tuebingen Variant Classification Criteria Version 2. Collection method: clinical testing. Allele origin: germline. Affected: yes. Observed: 5 variant alleles.
Comment: ALDH5A1: PM3:Strong, PVS1:Strong, PM2, PP1

Labcorp Genetics (formerly Invitae), Labcorp
Classification: Pathogenic for Succinate-semialdehyde dehydrogenase deficiency. Last evaluated: 2024-10-11. Review status: criteria provided, single submitter. Criteria: Invitae Variant Classification Sherloc (09022015). Collection method: clinical testing. Allele origin: germline.
Comment: This sequence change affects a donor splice site in intron 9 of the ALDH5A1 gene. RNA analysis indicates that disruption of this splice site induces altered splicing and likely disrupts the C-terminus of the protein. This variant is not present in population databases (gnomAD no frequency). Disruption of this splice site has been observed in individual(s) with succinic semialdehyde dehydrogenase deficiency (PMID: 9683595). It has also been observed to segregate with disease in related individuals. ClinVar contains an entry for this variant (Variation ID: 984711). Variants that disrupt the consensus splice site are a relatively common cause of aberrant splicing (PMID: 17576681, 9536098). Studies have shown that disruption of this splice site results in skipping of exon 9 and introduces a new termination codon (PMID: 9683595). However the mRNA is not expected to undergo nonsense-mediated decay. For these reasons, this variant has been classified as Pathogenic.

GeneDx
Classification: Pathogenic. Last evaluated: 2024-04-26. Review status: criteria provided, single submitter. Criteria: GeneDx Variant Classification Process June 2021. Collection method: clinical testing. Allele origin: germline. Affected: yes.
Comment: Canonical splice site variant predicted to result in a null allele in a gene for which loss of function is a known mechanism of disease; Not observed at significant frequency in large population cohorts (gnomAD); This variant is associated with the following publications: (PMID: 28191889, 36964972, 9683595, 34426522, 25525159)

Victorian Clinical Genetics Services, Murdoch Childrens Research Institute
Classification: Pathogenic for Succinate-semialdehyde dehydrogenase deficiency. Last evaluated: 2023-07-17. Review status: criteria provided, single submitter. Criteria: ACMG Guidelines, 2015. Collection method: clinical testing. Allele origin: germline. Inheritance: Autosomal recessive inheritance. Affected: yes.
Comment: Based on the classification scheme VCGS_Germline_v1.3.4, this variant is classified as Pathogenic. Following criteria are met: 0102 - Loss of function is a known mechanism of disease in this gene and is associated with succinic semialdehyde dehydrogenase deficiency (MIM#271980). (I) 0106 - This gene is associated with autosomal recessive disease. (I) 0210 - Splice site variant proven to affect splicing of the transcript with a known effect on protein sequence. This variant has been functionally proven to result in exon 9 skipping, with the formation of a premature termination codon. The resulting protein (p.(Phe449Leufs*54)) is expected to escape nonsense-mediated decay, but result in a truncated protein (PMID: 9683595). (SP) 0252 - This variant is homozygous. (I) 0301 - Variant is absent from gnomAD (both v2 and v3). (SP) 0311 - An alternative nucleotide change at the same canonical splice site, is present in gnomAD (v2) (1 heterozygote, 0 homozygotes). (I) 0600 - Variant results in the partial loss of the annotated aldehyde dehydrogenase family domain (DECIPHER). (I) 0701 - Protein truncating variants or canonical splice variants comparable to the one identified in this case have very strong previous evidence for pathogenicity. These variants have been reported multiple times as pathogenic, and observed in compound heterozygous or homozygous individuals with succinic semialdehyde dehydrogenase deficiency (SSADH; ClinVar, PMID: 31267348, PMID: 23430864). (SP) 0801 - This variant has strong previous evidence of pathogenicity in unrelated individuals. This variant has been reported several times as likely pathogenic or pathogenic, and observed in homozygous individuals with SSADH deficiency or cerebral palsy (PMID: 9683595, PMID: 34540776). (I) Legend: (SP) - Supporting pathogenic, (I) - Information, (SB) - Supporting benign

Department of Human Genetics, Hannover Medical School
Classification: Likely pathogenic for Succinate-semialdehyde dehydrogenase deficiency. Last evaluated: 2022-10-12. Review status: criteria provided, single submitter. Criteria: ACMG Guidelines, 2015. Collection method: clinical testing. Allele origin: germline. Inheritance: Autosomal recessive inheritance. Affected: yes.

Centre of Medical Genetics, University Hospital Muenster
Classification: Pathogenic. Last evaluated: 2022-09-07. Review status: criteria provided, single submitter. Criteria: ACMG Guidelines, 2015. Collection method: clinical testing. Allele origin: unknown. Affected: yes. Observed: 1 variant allele, 1 homozygote.
Comment: ACMG categories: PVS1,PM2,PP3,PP5

Elsea Laboratory, Baylor College of Medicine
Classification: Pathogenic for Succinate-semialdehyde dehydrogenase deficiency. Last evaluated: 2021-03-08. Review status: criteria provided, single submitter. Criteria: Martin et al. (J Child Neurol. 2021). Collection method: curation. Allele origin: germline. Affected: yes.

Institute of Human Genetics, University of Leipzig Medical Center
Classification: Likely pathogenic for Succinate-semialdehyde dehydrogenase deficiency. Last evaluated: 2020-03-01. Review status: criteria provided, single submitter. Criteria: ACMG Guidelines, 2015. Collection method: clinical testing. Allele origin: biparental. Inheritance: Autosomal recessive inheritance. Affected: yes.
Comment: Review of the variants reported in Reuter et al., 2017, PMID: 28097321: PVS1_Strong,PM2,PM3

Clinical Genetics Laboratory, University Hospital Schleswig-Holstein
Classification: Pathogenic for Succinate-semialdehyde dehydrogenase deficiency. Last evaluated: 2021-06-10. Review status: no assertion criteria provided. Collection method: clinical testing. Allele origin: germline. Affected: yes. Not counted in ClinVar's aggregate classification.

Literature cited by the submitters: PubMed 9683595 (cited by 3 submitters); PubMed 17576681 (cited by Labcorp Genetics (formerly Invitae), Labcorp); PubMed 9536098 (cited by Labcorp Genetics (formerly Invitae), Labcorp); PubMed 23430864 (cited by Victorian Clinical Genetics Services, Murdoch Childrens Research Institute); PubMed 31267348 (cited by Victorian Clinical Genetics Services, Murdoch Childrens Research Institute); PubMed 34540776 (cited by Victorian Clinical Genetics Services, Murdoch Childrens Research Institute).

NM_001080.3(ALDH5A1):c.1402+1G>T

Gene: ALDH5A1 (aldehyde dehydrogenase 5 family member A1; plus strand). Cytogenetic location: 6p22.3.
Variant type: single nucleotide variant.
Coding change: c.1402+1G>T on transcript NM_001080.3 (MANE Select); the canonical splice donor site of the intron after coding-DNA position 1402, G replaced by T.
Molecular consequence: splice donor variant.
Genome position (GRCh38, 1-based): chr6:24,532,178, G>T. VCF-style: chr6-24532178-G-T. GRCh37 (hg19) VCF-style: chr6-24532406-G-T.
Other names: c.1441+1G>T (NM_170740.1); c.1258+1G>T (NM_001368954.1).
Identifiers: ClinVar variation 984711 (VCV000984711.49), dbSNP rs762290992, ClinGen allele CA362966977.